The following is an entry in ClinVar:

ClinVar aggregate classification (germline): Uncertain significance. Review status: criteria provided, multiple submitters, no conflicts (2 of 4 stars). 2 submissions from 2 submitters: Uncertain significance (2). Last evaluated 2024-02-24.

Conditions:
Catecholaminergic polymorphic ventricular tachycardia (CVPT). Also called: Catecholamine-induced polymorphic ventricular tachycardia. Identifiers: Orphanet 3286, MedGen C5574922, MONDO:0017990.
Catecholaminergic polymorphic ventricular tachycardia 1. Also called: VENTRICULAR TACHYCARDIA, CATECHOLAMINERGIC POLYMORPHIC, 1, WITH OR WITHOUT ATRIAL DYSFUNCTION AND/OR DILATED CARDIOMYOPATHY; VENTRICULAR TACHYCARDIA, STRESS-INDUCED POLYMORPHIC 1; RYR2-Related Catecholaminergic Polymorphic Ventricular Tachycardia. Identifiers: Orphanet 3286, MedGen C1631597, MONDO:0011484, OMIM 604772.

Allele frequency attached by ClinVar (database versions not stated): gnomAD exomes below 0.00001; gnomAD 0.00001.
gnomAD v4.1: 8 of 1,613,886 alleles (0.0005%); highest among the groups gnomAD compares: Non-Finnish European, 0.00051%; no homozygotes.

Submissions (2):

Labcorp Genetics (formerly Invitae), Labcorp
Classification: Uncertain significance for Catecholaminergic polymorphic ventricular tachycardia 1. Last evaluated: 2024-02-24. Review status: criteria provided, single submitter. Criteria: Invitae Variant Classification Sherloc (09022015). Collection method: clinical testing. Allele origin: germline.
Comment: This sequence change replaces tyrosine, which is neutral and polar, with cysteine, which is neutral and slightly polar, at codon 1094 of the RYR2 protein (p.Tyr1094Cys). This variant is not present in population databases (gnomAD no frequency). This variant has not been reported in the literature in individuals affected with RYR2-related conditions. ClinVar contains an entry for this variant (Variation ID: 2414111). Advanced modeling of protein sequence and biophysical properties (such as structural, functional, and spatial information, amino acid conservation, physicochemical variation, residue mobility, and thermodynamic stability) performed at Invitae indicates that this missense variant is not expected to disrupt RYR2 protein function with a negative predictive value of 95%. In summary, the available evidence is currently insufficient to determine the role of this variant in disease. Therefore, it has been classified as a Variant of Uncertain Significance.

All of Us Research Program, National Institutes of Health
Classification: Uncertain significance for Catecholaminergic polymorphic ventricular tachycardia. Last evaluated: 2023-08-15. Review status: criteria provided, single submitter. Criteria: ACMG Guidelines, 2015. Collection method: clinical testing. Allele origin: germline. Inheritance: Autosomal dominant inheritance. Observed: 2 variant alleles, 2 heterozygotes.
Comment: This missense variant replaces tyrosine with cysteine at codon 1094 of the RYR2 protein. Computational prediction is inconclusive regarding the impact of this variant on protein structure and function (internally defined REVEL score threshold 0.5 < inconclusive < 0.7, PMID: 27666373). To our knowledge, functional studies have not been reported for this variant. This variant has not been reported in individuals affected with RYR2-related disorders in the literature. This variant has not been identified in the general population by the Genome Aggregation Database (gnomAD). The available evidence is insufficient to determine the role of this variant in disease conclusively. Therefore, this variant is classified as a Variant of Uncertain Significance.

This study involves interpretation of variants in research participants for the purpose of population health screening. Participant phenotype was not available at the time of variant classification. Additional details can be found in publication PMID: 35346344, PMCID: PMC8962531

NM_001035.3(RYR2):c.3281A>G (p.Tyr1094Cys)

Gene: RYR2 (ryanodine receptor 2; plus strand). Cytogenetic location: 1q43.
Variant type: single nucleotide variant.
Coding change: c.3281A>G on transcript NM_001035.3 (MANE Select); coding-DNA position 3281, A replaced by G.
Protein change: p.Tyr1094Cys; replaces tyrosine 1094 with cysteine.
Molecular consequence: missense variant.
Genome position (GRCh38, 1-based): chr1:237,566,633, A>G. VCF-style: chr1-237566633-A-G. GRCh37 (hg19) VCF-style: chr1-237729933-A-G.
Other names: short protein forms Y1094C.
Identifiers: ClinVar variation 2414111 (VCV002414111.5), dbSNP rs1672115338, ClinGen allele CA345398120.